The following is an entry in ClinVar:

ClinVar aggregate classification (germline): Uncertain significance. Review status: criteria provided, multiple submitters, no conflicts (2 of 4 stars). 4 submissions from 4 submitters: Uncertain significance (2). 2 of the submissions do not count toward it. Last evaluated 2025-09-21.

Conditions:
Hereditary cancer-predisposing syndrome. Also called: Neoplastic Syndromes, Hereditary; Tumor predisposition; Hereditary neoplastic syndrome; Hereditary Cancer Syndrome. Identifiers: Orphanet 140162, MedGen C0027672, MeSH D009386, MONDO:0015356.

Allele frequency attached by ClinVar (database versions not stated): gnomAD exomes 0.00001; TOPMed 0.00001.

Submissions (4):

Labcorp Genetics (formerly Invitae), Labcorp
Classification: Uncertain significance. Last evaluated: 2025-09-21. Review status: criteria provided, single submitter. Criteria: Invitae Variant Classification Sherloc (09022015). Collection method: clinical testing. Allele origin: germline.
Comment: This sequence change replaces arginine, which is basic and polar, with tryptophan, which is neutral and slightly polar, at codon 229 of the HOXB13 protein (p.Arg229Trp). This variant is not present in population databases (gnomAD no frequency). This variant has not been reported in the literature in individuals affected with HOXB13-related conditions. ClinVar contains an entry for this variant (Variation ID: 826668). Invitae Evidence Modeling of protein sequence and biophysical properties (such as structural, functional, and spatial information, amino acid conservation, physicochemical variation, residue mobility, and thermodynamic stability) indicates that this missense variant is not expected to disrupt HOXB13 protein function with a negative predictive value of 80%. In summary, the available evidence is currently insufficient to determine the role of this variant in disease. Therefore, it has been classified as a Variant of Uncertain Significance.

Ambry Genetics
Classification: Uncertain significance for Hereditary cancer-predisposing syndrome. Last evaluated: 2025-04-20. Review status: criteria provided, single submitter. Criteria: Ambry Variant Classification Scheme 2023. Collection method: clinical testing. Allele origin: germline.
Comment: The p.R229W variant (also known as c.685C>T), located in coding exon 2 of the HOXB13 gene, results from a C to T substitution at nucleotide position 685. The arginine at codon 229 is replaced by tryptophan, an amino acid with dissimilar properties. This amino acid position is poorly conserved in available vertebrate species. In addition, the in silico prediction for this alteration is inconclusive. Since supporting evidence is limited at this time, the clinical significance of this alteration remains unclear.

Clinical Genetics DNA and cytogenetics Diagnostics Lab, Erasmus MC, Erasmus Medical Center
Classification: Uncertain significance. Review status: no assertion criteria provided. Collection method: clinical testing. Allele origin: germline. Affected: yes. Study: VKGL Data-share Consensus. Not counted in ClinVar's aggregate classification.

Laboratory of Diagnostic Genome Analysis, Leiden University Medical Center (LUMC)
Classification: Uncertain significance. Review status: no assertion criteria provided. Collection method: clinical testing. Allele origin: germline. Affected: yes. Study: VKGL Data-share Consensus. Not counted in ClinVar's aggregate classification.

NM_006361.6(HOXB13):c.685C>T (p.Arg229Trp)

Gene: HOXB13 (homeobox B13; minus strand). Cytogenetic location: 17q21.32.
Variant type: single nucleotide variant.
Coding change: c.685C>T on transcript NM_006361.6 (MANE Select); coding-DNA position 685, C replaced by T.
Protein change: p.Arg229Trp; replaces arginine 229 with tryptophan.
Molecular consequence: missense variant.
Genome position (GRCh38, 1-based): chr17:48,726,960, G>A on the plus strand (C>T on the coding strand, the complement: HOXB13 is on the minus strand). VCF-style: chr17-48726960-G-A. GRCh37 (hg19) VCF-style: chr17-46804322-G-A.
Other names: short protein forms R229W.
Identifiers: ClinVar variation 826668 (VCV000826668.8), dbSNP rs529100627, ClinGen allele CA291349143.
Genomic context (GRCh38, chr17:48,726,960, plus strand): 5'-TCTTGCGCCTCTTGTCCTTGGTGATGAACTTGTTAGCCGCATACTCCCGCTCCAGCTCCC[G>A]CAACTGCCCCTTGCTGTACGGAATGCGTTTCTTGCGGCCGCGACGAAAGGCGCAGGCGTC-3'
Protein context (NP_006352.2, residues 219-239): KRIPYSKGQL[Arg229Trp]ELEREYAANK